The following is an entry in ClinVar:

ClinVar aggregate classification (germline): Uncertain significance. Review status: criteria provided, multiple submitters, no conflicts (2 of 4 stars). 2 submissions from 2 submitters: Uncertain significance (2). Last evaluated 2023-10-05.

Conditions:
Ritscher-Schinzel syndrome. Also called: CRANIOCEREBELLOCARDIAC DYSPLASIA. Identifiers: Orphanet 7, MedGen C0796137, MONDO:0019078.
Hereditary spastic paraplegia 8 (SPG8). Also called: SPASTIC PARAPLEGIA 8, AUTOSOMAL DOMINANT. Identifiers: Orphanet 100989, MedGen C1863704, MONDO:0011339, OMIM 603563.

Allele frequency attached by ClinVar (database versions not stated): gnomAD exomes 0.00001 and below 0.00001.

Submissions (2):

Labcorp Genetics (formerly Invitae), Labcorp
Classification: Uncertain significance for Ritscher-Schinzel syndrome; Hereditary spastic paraplegia 8. Last evaluated: 2023-10-05. Review status: criteria provided, single submitter. Criteria: Invitae Variant Classification Sherloc (09022015). Collection method: clinical testing. Allele origin: germline.
Comment: This sequence change replaces leucine, which is neutral and non-polar, with serine, which is neutral and polar, at codon 876 of the WASHC5 protein (p.Leu876Ser). This variant is present in population databases (no rsID available, gnomAD 0.006%). This variant has not been reported in the literature in individuals affected with WASHC5-related conditions. ClinVar contains an entry for this variant (Variation ID: 911331). Advanced modeling of protein sequence and biophysical properties (such as structural, functional, and spatial information, amino acid conservation, physicochemical variation, residue mobility, and thermodynamic stability) performed at Invitae indicates that this missense variant is expected to disrupt WASHC5 protein function. In summary, the available evidence is currently insufficient to determine the role of this variant in disease. Therefore, it has been classified as a Variant of Uncertain Significance.

Illumina Laboratory Services, Illumina
Classification: Uncertain significance for Hereditary spastic paraplegia 8. Last evaluated: 2018-01-13. Review status: criteria provided, single submitter. Criteria: ICSL Variant Classification Criteria 13 December 2019. Collection method: clinical testing. Allele origin: germline.

NM_014846.4(WASHC5):c.2627T>C (p.Leu876Ser)

Genes: WASHC5 (WASH complex subunit 5; minus strand), WASHC5-AS1 (WASHC5 antisense RNA 1; plus strand). Cytogenetic location: 8q24.13.
Variant type: single nucleotide variant.
Coding change: c.2627T>C on transcript NM_014846.4 (MANE Select); coding-DNA position 2627, T replaced by C.
Protein change: p.Leu876Ser; replaces leucine 876 with serine.
Molecular consequence: missense variant. On other transcripts: non-coding transcript variant (1).
Genome position (GRCh38, 1-based): chr8:125,044,576, A>G on the plus strand (T>C on the coding strand, the complement: WASHC5 is on the minus strand). VCF-style: chr8-125044576-A-G. GRCh37 (hg19) VCF-style: chr8-126056818-A-G.
Other names: c.2183T>C, p.Leu728Ser (NM_001330609.2); short protein forms L876S, L728S.
Identifiers: ClinVar variation 911331 (VCV000911331.7), dbSNP rs1289915533, ClinGen allele CA372188303.